The following is an entry in ClinVar:

NM_001271.4(CHD2):c.3596-98T>C

Gene: CHD2 (chromodomain helicase DNA binding protein 2; plus strand). Cytogenetic location: 15q26.1.
Variant type: single nucleotide variant.
Coding change: c.3596-98T>C on transcript NM_001271.4 (MANE Select); 98 bases into the intron before coding-DNA position 3596, T replaced by C.
Molecular consequence: intron variant.
Genome position (GRCh38, 1-based): chr15:92,996,859, T>C. VCF-style: chr15-92996859-T-C. GRCh37 (hg19) VCF-style: chr15-93540089-T-C.
Identifiers: ClinVar variation 678930 (VCV000678930.2), dbSNP rs11630582, ClinGen allele CA14138801.

ClinVar aggregate classification (germline): Benign. Review status: criteria provided, multiple submitters, no conflicts (2 of 4 stars). 2 submissions from 2 submitters: Benign (2). Last evaluated 2018-06-18.

Allele frequency attached by ClinVar (database versions not stated): 1000 Genomes Project 30x 0.18410; 1000 Genomes Project 0.18650; gnomAD 0.22193 and 0.22343; TOPMed 0.22743.
gnomAD v4.1: 303,738 of 1,169,918 alleles (26%); highest among the groups gnomAD compares: Middle Eastern, 36%; 41,812 homozygotes.

Submissions (2):

GeneDx
Classification: Benign. Last evaluated: 2018-06-18. Review status: criteria provided, single submitter. Criteria: GeneDx Variant Classification (06012015). Collection method: clinical testing. Allele origin: germline. Affected: yes.
Comment: This variant is considered likely benign or benign based on one or more of the following criteria: it is a conservative change, it occurs at a poorly conserved position in the protein, it is predicted to be benign by multiple in silico algorithms, and/or has population frequency not consistent with disease.

Breakthrough Genomics
Classification: Benign. Review status: criteria provided, single submitter. Criteria: ACMG Guidelines, 2015. Collection method: not provided. Allele origin: germline. Inheritance: Autosomal dominant inheritance. Affected: yes.